The following is an entry in ClinVar:

ClinVar aggregate classification (germline): Uncertain significance. Review status: criteria provided, multiple submitters, no conflicts (2 of 4 stars). 3 submissions from 3 submitters: Uncertain significance (3). Last evaluated 2024-05-20.

Conditions:
Hereditary cancer-predisposing syndrome. Also called: Hereditary neoplastic syndrome; Tumor predisposition; Neoplastic Syndromes, Hereditary; Hereditary Cancer Syndrome. Identifiers: Orphanet 140162, MedGen C0027672, MeSH D009386, MONDO:0015356.
Familial adenomatous polyposis 1 (FAP1). Also called: FAMILIAL ADENOMATOUS POLYPOSIS 1, ATTENUATED; POLYPOSIS, ADENOMATOUS INTESTINAL. Identifiers: MedGen C2713442, MONDO:0021056, OMIM 175100. Disease mechanism: loss of function.

Allele frequency attached by ClinVar (database versions not stated): gnomAD exomes below 0.00001.
gnomAD v4.1: 3 of 1,613,756 alleles (0.00019%); highest among the groups gnomAD compares: African/African-American, 0.0027%; no homozygotes.

Submissions (3):

Labcorp Genetics (formerly Invitae), Labcorp
Classification: Uncertain significance for Familial adenomatous polyposis 1. Last evaluated: 2024-05-20. Review status: criteria provided, single submitter. Criteria: Invitae Variant Classification Sherloc (09022015). Collection method: clinical testing. Allele origin: germline.
Comment: This sequence change replaces alanine, which is neutral and non-polar, with valine, which is neutral and non-polar, at codon 15 of the APC protein (p.Ala15Val). This variant is present in population databases (no rsID available, gnomAD 0.007%). This variant has not been reported in the literature in individuals affected with APC-related conditions. ClinVar contains an entry for this variant (Variation ID: 418836). Advanced modeling of protein sequence and biophysical properties (such as structural, functional, and spatial information, amino acid conservation, physicochemical variation, residue mobility, and thermodynamic stability) performed at Invitae indicates that this missense variant is not expected to disrupt APC protein function with a negative predictive value of 95%. In summary, the available evidence is currently insufficient to determine the role of this variant in disease. Therefore, it has been classified as a Variant of Uncertain Significance.

Ambry Genetics
Classification: Uncertain significance for Hereditary cancer-predisposing syndrome. Last evaluated: 2023-03-20. Review status: criteria provided, single submitter. Criteria: Ambry Variant Classification Scheme 2023. Collection method: clinical testing. Allele origin: germline.
Comment: The p.A15V variant (also known as c.44C>T), located in coding exon 1 of the APC gene, results from a C to T substitution at nucleotide position 44. The alanine at codon 15 is replaced by valine, an amino acid with similar properties. This amino acid position is well conserved in available vertebrate species. In addition, in silico predictors for this gene do not accurately predict pathogenicity. Since supporting evidence is limited at this time, the clinical significance of this alteration remains unclear.

GeneDx
Classification: Uncertain significance. Last evaluated: 2015-04-06. Review status: criteria provided, single submitter. Criteria: GeneDx Variant Classification (06012015). Collection method: clinical testing. Allele origin: germline. Affected: yes.
Comment: This variant is denoted APC c.44C>T at the cDNA level, p.Ala15Val (A15V) at the protein level, and results in the change of an Alanine to a Valine (GCA>GTA). This variant has not, to our knowledge, been published in the literature as pathogenic or benign. APC Ala15Val was not observed in approximately 6,500 individuals of European and African American ancestry in the NHLBI Exome Sequencing Project, indicating it is not a common benign variant in these populations. Since Alanine and Valine share similar properties, this is considered a conservative amino acid substitution. APC Ala15Val occurs at a position that is conserved across species and is located within the oligomerization domain (Azzopardi 2008). Protein-based in silico analyses are inconsistent regarding the effect this variant may have on protein structure and function. Multiple splicing models predict gain of a cryptic splice donor site upstream of the natural site; however these models predict no change to the natural splice donor site. In the absence of RNA or functional studies, the actual effect of this variant is unknown. Based on currently available information, it is unclear whether APC Ala15Val is pathogenic or benign. We consider it to be a variant of uncertain significance.

NM_000038.6(APC):c.44C>T (p.Ala15Val)

Gene: APC (APC regulator of Wnt signaling pathway; plus strand). Cytogenetic location: 5q22.2.
Variant type: single nucleotide variant.
Coding change: c.44C>T on transcript NM_000038.6 (MANE Select); coding-DNA position 44, C replaced by T.
Protein change: p.Ala15Val; replaces alanine 15 with valine.
Molecular consequence: missense variant. On other transcripts: 5 prime UTR variant (1), intron variant (8).
Genome position (GRCh38, 1-based): chr5:112,754,934, C>T. VCF-style: chr5-112754934-C-T. GRCh37 (hg19) VCF-style: chr5-112090631-C-T.
Other names: c.44C>T, p.Ala15Val (NM_001127510.3, NM_001354895.2, NM_001354896.2 and 2 more transcripts); c.-992C>T (NM_001354906.2); c.166-11392C>T (NM_001354897.2, NM_001354902.2, NM_001127511.3); c.61-11392C>T (NM_001354898.2, NM_001354904.2); c.-42-11392C>T (NM_001354900.2, NM_001354901.2, NM_001354905.2); short protein forms A15V.
Identifiers: ClinVar variation 418836 (VCV000418836.8), dbSNP rs1064793466, ClinGen allele CA16021438.